The following is an entry in ClinVar:

NM_003640.5(ELP1):c.3382_3385del (p.Thr1128fs)

Gene: ELP1 (elongator acetyltransferase complex subunit 1; minus strand). Cytogenetic location: 9q31.3.
Variant type: Deletion.
Coding change: c.3382_3385del on transcript NM_003640.5 (MANE Select); coding-DNA positions 3382 to 3385, 4 bases deleted (ACAG; older notation c.3382_3385delACAG).
Protein change: p.Thr1128fs; shifts the reading frame from threonine 1128.
Molecular consequence: frameshift variant.
Genome position (GRCh38, 1-based): chr9:108,880,127-108,880,130, CTGT deleted on the plus strand (ACAG on the coding strand, the reverse complement: ELP1 is on the minus strand); deleting any 4 consecutive bases within chr9:108,880,127-108,880,133 gives the same sequence; the c. name uses the placement nearest the transcript's 3' end. VCF-style (leftmost placement, unchanged base first): chr9-108880126-GCTGT-G. GRCh37 (hg19) VCF-style: chr9-111642406-GCTGT-G.
Other names: c.3382_3385del (NM_003640.4); c.3040_3043del, p.Thr1014fs (NM_001318360.2); c.2335_2338del, p.Thr779fs (NM_001330749.2); short protein forms T779fs, T1128fs, T1014fs.
Identifiers: ClinVar variation 1353787 (VCV001353787.8), dbSNP rs769748960, ClinGen allele CA5174322.
Genomic context (GRCh38, chr9:108,880,126, plus strand): 5'-TGGGCTTGCTCCTTGAGCTCTCGAACTACCAATAAACGTTTCTTGTGGCGACTGAATGTG[GCTGT>G]CTGAGAGTCCAGAAATGCCATATAATTTTTCTGGGCTGGAGATGCAGAATGGAAAATAGT-3'

ClinVar aggregate classification (germline): Pathogenic/Likely pathogenic. Review status: criteria provided, multiple submitters, no conflicts (2 of 4 stars). 3 submissions from 3 submitters: Pathogenic (1); Likely pathogenic (2). Last evaluated 2024-05-16.

Conditions:
Medulloblastoma (MDB). Also called: MEDULLOBLASTOMA PREDISPOSITION SYNDROME; Medulloblastoma, somatic. Identifiers: Orphanet 616, MedGen C0025149, MeSH D008527, MONDO:0007959, OMIM 155255, HP:0002885.
Familial dysautonomia. Also called: HSAN III; FD. Identifiers: Orphanet 1764, MedGen C0013364, MONDO:0009131, OMIM 223900. Disease mechanism: loss of function.

Submissions (3):

Natera, Inc.
Classification: Likely pathogenic for Familial dysautonomia. Last evaluated: 2024-05-16. Review status: criteria provided, single submitter. Criteria: Natera Variant Classification Schema (03/2026). Collection method: clinical testing. Allele origin: germline.
Comment: The c.3382_3385del variant in ELP1 is a frameshift variant predicted to shift the reading frame beginning at codon 1128 and leads to a stop codon 12 codons downstream. This variant is expected to result in nonsense mediated decay, truncation, or a dysfunctional protein product. This variant is rare in the general population with a frequency below the threshold expected for the associated phenotype(s). Given the available evidence, this variant is classified as Likely Pathogenic.

Fulgent Genetics
Classification: Likely pathogenic for Medulloblastoma; Familial dysautonomia. Last evaluated: 2022-05-12. Review status: criteria provided, single submitter. Criteria: ACMG Guidelines, 2015. Collection method: clinical testing. Allele origin: unknown.

Labcorp Genetics (formerly Invitae), Labcorp
Classification: Pathogenic. Last evaluated: 2021-07-28. Review status: criteria provided, single submitter. Criteria: Invitae Variant Classification Sherloc (09022015). Collection method: clinical testing. Allele origin: germline.
Comment: This variant has not been reported in the literature in individuals affected with ELP1-related conditions. For these reasons, this variant has been classified as Pathogenic. This variant is present in population databases (rs769748960, ExAC 0.001%). This sequence change creates a premature translational stop signal (p.Thr1128Profs*12) in the ELP1 gene. It is expected to result in an absent or disrupted protein product. Loss-of-function variants in ELP1 are known to be pathogenic (PMID: 18303054, 24173031).

Literature cited by the submitters: PubMed 18303054 (cited by Labcorp Genetics (formerly Invitae), Labcorp); PubMed 24173031 (cited by Labcorp Genetics (formerly Invitae), Labcorp).